The following is an entry in ClinVar:

ClinVar aggregate classification (germline): Benign. Review status: criteria provided, multiple submitters, no conflicts (2 of 4 stars). 2 submissions from 2 submitters: Benign (2). Last evaluated 2018-06-14.

Allele frequency attached by ClinVar (database versions not stated): 1000 Genomes Project 30x 0.70222; 1000 Genomes Project 0.70487; TOPMed 0.74891; gnomAD 0.76232 and 0.76306; gnomAD exomes 0.81244.
gnomAD v4.1: 494,722 of 618,476 alleles (80%); highest among the groups gnomAD compares: Non-Finnish European, 84%; 200,725 homozygotes.

Submissions (2):

GeneDx
Classification: Benign. Last evaluated: 2018-06-14. Review status: criteria provided, single submitter. Criteria: GeneDx Variant Classification (06012015). Collection method: clinical testing. Allele origin: germline. Affected: yes.
Comment: This variant is considered likely benign or benign based on one or more of the following criteria: it is a conservative change, it occurs at a poorly conserved position in the protein, it is predicted to be benign by multiple in silico algorithms, and/or has population frequency not consistent with disease.

Breakthrough Genomics
Classification: Benign. Review status: criteria provided, single submitter. Criteria: ACMG Guidelines, 2015. Collection method: not provided. Allele origin: germline. Inheritance: Autosomal recessive inheritance. Affected: yes.

NM_001875.5(CPS1):c.3667-160A>G

Gene: CPS1 (carbamoyl-phosphate synthase 1; plus strand). Cytogenetic location: 2q34.
Variant type: single nucleotide variant.
Coding change: c.3667-160A>G on transcript NM_001875.5 (MANE Select); 160 bases into the intron before coding-DNA position 3667, A replaced by G.
Molecular consequence: intron variant.
Genome position (GRCh38, 1-based): chr2:210,658,439, A>G. VCF-style: chr2-210658439-A-G. GRCh37 (hg19) VCF-style: chr2-211523163-A-G.
Other names: c.3667-160A>G (NM_001369257.1, NM_001122633.3); c.3700-160A>G (NM_001369256.1).
Identifiers: ClinVar variation 683616 (VCV000683616.2), dbSNP rs2287598, ClinGen allele CA11326523.
Genomic context (GRCh38, chr2:210,658,439, plus strand): 5'-TTATTTGTTCTTTTCCTATTATTTTGTGTGTATTTATTGCATATTATTTTGTTAATAGAA[A>G]CCTAATAGTGCCCTCCATTATAATTATTAATGTAGATATATAGCTGTCTGTGAAGAGAAA-3'